The following is an entry in ClinVar:

ClinVar aggregate classification (germline): Pathogenic (1 of 4 stars; one submission).

Submission:

Labcorp Genetics (formerly Invitae), Labcorp
Classification: Pathogenic. Last evaluated: 2019-09-26. Review status: criteria provided, single submitter. Criteria: Invitae Variant Classification Sherloc (09022015). Collection method: clinical testing. Allele origin: germline.
Comment: This variant is not present in population databases (ExAC no frequency). For these reasons, this variant has been classified as Pathogenic. Loss-of-function variants in PHEX are known to be pathogenic (PMID: 9097956, 9106524, 19219621). This variant has been observed in individuals affected with hypophosphatemic rickets (Invitae). This sequence change creates a premature translational stop signal (p.Glu467*) in the PHEX gene. It is expected to result in an absent or disrupted protein product.

Literature cited by the submitters: PubMed 9097956; PubMed 9106524; PubMed 19219621.

NM_000444.6(PHEX):c.1399G>T (p.Glu467Ter)

Gene: PHEX (phosphate regulating endopeptidase X-linked; plus strand). Cytogenetic location: Xp22.11.
Variant type: single nucleotide variant.
Coding change: c.1399G>T on transcript NM_000444.6 (MANE Select); coding-DNA position 1399, G replaced by T.
Protein change: p.Glu467Ter; replaces glutamic acid 467 with a stop codon.
Molecular consequence: nonsense.
Genome position (GRCh38, 1-based): chrX:22,133,619, G>T. VCF-style: chrX-22133619-G-T. GRCh37 (hg19) VCF-style: chrX-22151736-G-T.
Other names: c.1399G>T, p.Glu467Ter (NM_001282754.2); short protein forms E467*.
Identifiers: ClinVar variation 949046 (VCV000949046.9), dbSNP rs1932110045, ClinGen allele CA412574783.